The following is an entry in ClinVar:

NM_025215.6(PUS1):c.186A>G (p.Gly62=)

Gene: PUS1 (pseudouridine synthase 1; plus strand). Cytogenetic location: 12q24.33.
Variant type: single nucleotide variant.
Coding change: c.186A>G on transcript NM_025215.6 (MANE Select); coding-DNA position 186, A replaced by G.
Protein change: p.Gly62=; no amino-acid change (glycine 62 retained).
Molecular consequence: synonymous variant.
Genome position (GRCh38, 1-based): chr12:131,930,018, A>G. VCF-style: chr12-131930018-A-G. GRCh37 (hg19) VCF-style: chr12-132414563-A-G.
Other names: c.102A>G, p.Gly34= (NM_001002019.3, NM_001002020.3).
Identifiers: ClinVar variation 389176 (VCV000389176.8), dbSNP rs1057523352, ClinGen allele CA16606393.

ClinVar aggregate classification (germline): Likely benign. Review status: criteria provided, multiple submitters, no conflicts (2 of 4 stars). 2 submissions from 2 submitters: Likely benign (2). Last evaluated 2025-12-15.

Allele frequency attached by ClinVar (database versions not stated): gnomAD exomes below 0.00001.
gnomAD v4.1: 5 of 1,475,078 alleles (0.00034%); highest among the groups gnomAD compares: Non-Finnish European, 0.00045%; no homozygotes.

Submissions (2):

Labcorp Genetics (formerly Invitae), Labcorp
Classification: Likely benign. Last evaluated: 2025-12-15. Review status: criteria provided, single submitter. Criteria: Invitae Variant Classification Sherloc (09022015). Collection method: clinical testing. Allele origin: germline.

GeneDx
Classification: Likely benign. Last evaluated: 2016-09-20. Review status: criteria provided, single submitter. Criteria: GeneDx Variant Classification (06012015). Collection method: clinical testing. Allele origin: germline. Affected: yes.
Comment: This variant is considered likely benign or benign based on one or more of the following criteria: it is a conservative change, it occurs at a poorly conserved position in the protein, it is predicted to be benign by multiple in silico algorithms, and/or has population frequency not consistent with disease.